The following is an entry in ClinVar:

ClinVar aggregate classification (germline): Uncertain significance (1 of 4 stars; one submission).

Conditions:
Glycogen storage disease, type II (IOPD). Also called: Pompe Disease; CARDIOMEGALIA GLYCOGENICA DIFFUSA; GLYCOGENOSIS, GENERALIZED, CARDIAC FORM; GSD II; POMPE DISEASE, INFANTILE-ONSET; GLYCOGEN STORAGE DISEASE II, INFANTILE-ONSET. Identifiers: Orphanet 365, MedGen C0017921, MONDO:0009290, OMIM 232300.

Submission:

Genomenon, Inc
Classification: Uncertain significance for Glycogen storage disease, type II. Last evaluated: 2026-07-01. Review status: criteria provided, single submitter. Criteria: Genomenon Sequence Variant Interpretation Standards - Updated. Collection method: curation. Allele origin: germline. Affected: no.
Comment: GAA p.Ser627Pro (c.1879T>C) is a missense variant that changes the amino acid at codon 627 from Serine to Proline. This variant has been reported in the published literature (PMID:22644586;30281819). At least one functional study has demonstrated a substantial alteration in protein function relative to the wild-type (PMID:22644586). It is absent or not present at a significant frequency in gnomAD. In silico models predict that this variant is possibly or probably damaging. In conclusion, we classify GAA p.Ser627Pro (c.1879T>C) as a variant of uncertain significance.

Literature cited by the submitters: PubMed 22644586; PubMed 30281819.

NM_000152.5(GAA):c.1879T>C (p.Ser627Pro)

Gene: GAA (alpha glucosidase; plus strand). Cytogenetic location: 17q25.3.
Variant type: single nucleotide variant.
Coding change: c.1879T>C on transcript NM_000152.5 (MANE Select); coding-DNA position 1879, T replaced by C.
Protein change: p.Ser627Pro; replaces serine 627 with proline.
Molecular consequence: missense variant.
Genome position (GRCh38, 1-based): chr17:80,112,702, T>C. VCF-style: chr17-80112702-T-C. GRCh37 (hg19) VCF-style: chr17-78086501-T-C.
Other names: c.1879T>C, p.Ser627Pro (NM_001079803.3, NM_001079804.3, NM_001406741.1 and 1 more transcripts); short protein forms S627P.
Identifiers: ClinVar variation 4876259 (VCV004876259.1).